The following is an entry in ClinVar:

ClinVar aggregate classification (germline): Uncertain significance (1 of 4 stars; one submission).

gnomAD v4.1: 4 of 1,592,132 alleles (0.00025%); highest among the groups gnomAD compares: Non-Finnish European, 0.00034%; no homozygotes.

Submission:

Labcorp Genetics (formerly Invitae), Labcorp
Classification: Uncertain significance. Last evaluated: 2024-09-30. Review status: criteria provided, single submitter. Criteria: Invitae Variant Classification Sherloc (09022015). Collection method: clinical testing. Allele origin: germline.
Comment: This sequence change replaces tyrosine, which is neutral and polar, with histidine, which is basic and polar, at codon 1456 of the AHDC1 protein (p.Tyr1456His). This variant is not present in population databases (gnomAD no frequency). This variant has not been reported in the literature in individuals affected with AHDC1-related conditions. An algorithm developed to predict the effect of missense changes on protein structure and function (PolyPhen-2) suggests that this variant is likely to be disruptive. In summary, the available evidence is currently insufficient to determine the role of this variant in disease. Therefore, it has been classified as a Variant of Uncertain Significance.

NM_001371928.1(AHDC1):c.4366T>C (p.Tyr1456His)

Gene: AHDC1 (AT-hook DNA binding motif containing 1; minus strand). Cytogenetic location: 1p36.11.
Variant type: single nucleotide variant.
Coding change: c.4366T>C on transcript NM_001371928.1 (MANE Select); coding-DNA position 4366, T replaced by C.
Protein change: p.Tyr1456His; replaces tyrosine 1456 with histidine.
Molecular consequence: missense variant.
Genome position (GRCh38, 1-based): chr1:27,547,750, A>G on the plus strand (T>C on the coding strand, the complement: AHDC1 is on the minus strand). VCF-style: chr1-27547750-A-G. GRCh37 (hg19) VCF-style: chr1-27874261-A-G.
Other names: c.4366T>C, p.Tyr1456His (NM_001029882.3); short protein forms Y1456H.
Identifiers: ClinVar variation 3688518 (VCV003688518.2).
Genomic context (GRCh38, chr1:27,547,750, plus strand): 5'-TGCGGGCAGCTGAGCCTGGAGGGTACCAATAGGCTGTGCCCTTGCAGCTGGGGGAATCGT[A>G]GTGGGGCTGGCCCAGCGGCAGGTCCCGGCAGCTCAGGTGGGCCTGGGCTGCAGCTGCGTG-3'
Protein context (NP_001358857.1, residues 1446-1466): CRDLPLGQPH[Tyr1456His]DSPSCKGTAY